The following is an entry in ClinVar:

ClinVar aggregate classification (germline): Uncertain significance (1 of 4 stars; one submission).

Conditions:
Isolated microphthalmia 4. Identifiers: Orphanet 2542, MedGen C2751307, MONDO:0013130, OMIM 613094.
Microphthalmia, isolated, with coloboma 6 (MCOPCB6). Also called: MICROPHTHALMIA/COLOBOMA 6; Microphthalmia with coloboma 6, digenic; Microphthalmia with coloboma 6. Identifiers: Orphanet 98938, MedGen C3150968, MONDO:0013376, OMIM 613703.
Leber congenital amaurosis 17 (LCA17). Identifiers: Orphanet 65, MedGen C3715164, MONDO:0014145, OMIM 615360.
Klippel-Feil syndrome 1, autosomal dominant (KFS1). Also called: CERVICAL VERTEBRAL FUSION, AUTOSOMAL DOMINANT. Identifiers: Orphanet 2345, MedGen C1861689, MONDO:0007306, OMIM 118100.

Allele frequency attached by ClinVar (database versions not stated): gnomAD exomes below 0.00001.
gnomAD v4.1: 6 of 1,613,618 alleles (0.00037%); highest among the groups gnomAD compares: Non-Finnish European, 0.00051%; no homozygotes.

Submission:

Labcorp Genetics (formerly Invitae), Labcorp
Classification: Uncertain significance for Isolated microphthalmia 4; Leber congenital amaurosis 17; Klippel-Feil syndrome 1, autosomal dominant; Microphthalmia, isolated, with coloboma 6. Last evaluated: 2023-07-07. Review status: criteria provided, single submitter. Criteria: Invitae Variant Classification Sherloc (09022015). Collection method: clinical testing. Allele origin: germline.
Comment: This sequence change replaces serine, which is neutral and polar, with leucine, which is neutral and non-polar, at codon 9 of the GDF6 protein (p.Ser9Leu). In summary, the available evidence is currently insufficient to determine the role of this variant in disease. Therefore, it has been classified as a Variant of Uncertain Significance. This variant is not present in population databases (gnomAD no frequency). This variant has not been reported in the literature in individuals affected with GDF6-related conditions. Algorithms developed to predict the effect of missense changes on protein structure and function output the following: SIFT: "Not Available"; PolyPhen-2: "Benign"; Align-GVGD: "Not Available". The leucine amino acid residue is found in multiple mammalian species, which suggests that this missense change does not adversely affect protein function.

NM_001001557.4(GDF6):c.26C>T (p.Ser9Leu)

Gene: GDF6 (growth differentiation factor 6; minus strand). Cytogenetic location: 8q22.1.
Variant type: single nucleotide variant.
Coding change: c.26C>T on transcript NM_001001557.4 (MANE Select); coding-DNA position 26, C replaced by T.
Protein change: p.Ser9Leu; replaces serine 9 with leucine.
Molecular consequence: missense variant.
Genome position (GRCh38, 1-based): chr8:96,160,667, G>A on the plus strand (C>T on the coding strand, the complement: GDF6 is on the minus strand). VCF-style: chr8-96160667-G-A. GRCh37 (hg19) VCF-style: chr8-97172895-G-A.
Other names: short protein forms S9L.
Identifiers: ClinVar variation 2932408 (VCV002932408.3), dbSNP rs2487850014, ClinGen allele CA371754108.